The following is an entry in ClinVar:

ClinVar aggregate classification (germline): Pathogenic. Review status: criteria provided, multiple submitters, no conflicts (2 of 4 stars). 3 submissions from 3 submitters: Pathogenic (2). 1 of the submissions does not count toward it. Last evaluated 2024-09-04.

Conditions:
Hereditary breast ovarian cancer syndrome. Also called: Hereditary breast and ovarian cancer; Hereditary breast and/or ovarian cancer syndrome; Breast and ovarian cancer; BRCA1- and BRCA2-Associated Hereditary Breast and Ovarian Cancer; Hereditary breast and ovarian cancer syndrome (HBOC); Hereditary breast and ovarian cancer syndrome. Identifiers: Orphanet 145, MedGen C0677776, MeSH D061325, MONDO:0003582. Disease mechanism: loss of function.
Breast-ovarian cancer, familial, susceptibility to, 1 (BROVCA1). Also called: OVARIAN CANCER, SUSCEPTIBILITY TO; BRCA1 Hereditary Breast and Ovarian Cancer. Identifiers: Orphanet 145, MedGen C2676676, MONDO:0011450, OMIM 604370. Disease mechanism: loss of function.

Submissions (3):

Labcorp Genetics (formerly Invitae), Labcorp
Classification: Pathogenic for Hereditary breast ovarian cancer syndrome. Last evaluated: 2024-09-04. Review status: criteria provided, single submitter. Criteria: Invitae Variant Classification Sherloc (09022015). Collection method: clinical testing. Allele origin: germline.
Comment: This sequence change creates a premature translational stop signal (p.Glu1046*) in the BRCA1 gene. It is expected to result in an absent or disrupted protein product. Loss-of-function variants in BRCA1 are known to be pathogenic (PMID: 20104584). This variant is not present in population databases (gnomAD no frequency). This variant has not been reported in the literature in individuals affected with BRCA1-related conditions. ClinVar contains an entry for this variant (Variation ID: 1330044). For these reasons, this variant has been classified as Pathogenic.

Quest Diagnostics Nichols Institute San Juan Capistrano
Classification: Pathogenic. Last evaluated: 2020-12-17. Review status: criteria provided, single submitter. Criteria: Quest Diagnostics criteria. Collection method: clinical testing. Allele origin: unknown.
Comment: This nonsense variant causes the premature termination of BRCA1 protein synthesis. In addition, it has been reported in at least one symptomatic individual with ovarian cancer in the published literature (PMID: 23633455 (2013)). This variant has not been reported in large, multi-ethnic general populations. Therefore, the variant is classified as pathogenic.

BRCAlab, Lund University
Classification: Pathogenic for Breast-ovarian cancer, familial, susceptibility to, 1. Last evaluated: 2022-08-26. Review status: no assertion criteria provided. Collection method: clinical testing. Allele origin: germline. Affected: yes. Not counted in ClinVar's aggregate classification.

Literature cited by the submitters: PubMed 20104584 (cited by Labcorp Genetics (formerly Invitae), Labcorp); PubMed 23633455 (cited by Quest Diagnostics Nichols Institute San Juan Capistrano).

NM_007294.4(BRCA1):c.3136G>T (p.Glu1046Ter)

Gene: BRCA1 (BRCA1 DNA repair associated; minus strand). Cytogenetic location: 17q21.31.
Variant type: single nucleotide variant.
Coding change: c.3136G>T on transcript NM_007294.4 (MANE Select); coding-DNA position 3136, G replaced by T.
Protein change: p.Glu1046Ter; replaces glutamic acid 1046 with a stop codon.
Molecular consequence: nonsense. On other transcripts: intron variant (137).
Genome position (GRCh38, 1-based): chr17:43,092,395, C>A on the plus strand (G>T on the coding strand, the complement: BRCA1 is on the minus strand). VCF-style: chr17-43092395-C-A. GRCh37 (hg19) VCF-style: chr17-41244412-C-A.
Other names: c.2923G>T, p.Glu975Ter (NM_001407571.1, NM_001407915.1, NM_001407916.1 and 9 more transcripts); c.3136G>T, p.Glu1046Ter (NM_001407581.1, NM_001407582.1, NM_001407583.1 and 30 more transcripts); c.3133G>T, p.Glu1045Ter (NM_001407587.1, NM_001407590.1, NM_001407591.1 and 22 more transcripts); c.3127G>T, p.Glu1043Ter (NM_001407646.1, NM_001407647.1); c.3013G>T, p.Glu1005Ter (NM_001407648.1, NM_001407664.1, NM_001407665.1 and 19 more transcripts); c.3010G>T, p.Glu1004Ter (NM_001407649.1, NM_001407670.1, NM_001407671.1 and 11 more transcripts); c.3058G>T, p.Glu1020Ter (NM_001407653.1, NM_001407654.1, NM_001407655.1 and 4 more transcripts); c.3055G>T, p.Glu1019Ter (NM_001407659.1, NM_001407660.1, NM_001407661.1 and 1 more transcripts); and 41 more; short protein forms E1046*, E999*, E1004*, E750*, E878*, E935*, E976*, E1019*.
Identifiers: ClinVar variation 1330044 (VCV001330044.25), dbSNP rs1555588329, ClinGen allele CA10595709.